The following is an entry in ClinVar:

NM_001256545.2(MEGF10):c.446C>T (p.Thr149Ile)

Gene: MEGF10 (multiple EGF like domains 10; plus strand). Cytogenetic location: 5q23.2.
Variant type: single nucleotide variant.
Coding change: c.446C>T on transcript NM_001256545.2 (MANE Select); coding-DNA position 446, C replaced by T.
Protein change: p.Thr149Ile; replaces threonine 149 with isoleucine.
Molecular consequence: missense variant.
Genome position (GRCh38, 1-based): chr5:127,396,565, C>T. VCF-style: chr5-127396565-C-T. GRCh37 (hg19) VCF-style: chr5-126732257-C-T.
Other names: c.446C>T, p.Thr149Ile (NM_001308119.2, NM_001308121.2, NM_032446.3); short protein forms T149I.
Identifiers: ClinVar variation 639163 (VCV000639163.7), dbSNP rs763157072, ClinGen allele CA3391295.
Genomic context (GRCh38, chr5:127,396,565, plus strand): 5'-ATCCACTGTTTCTCTCCTCAATCTCAGCCTGCGATGGTGATCACTGGGGTCCCCACTGCA[C>T]CAGCCGGTGCCAGTGCAAAAATGGGGCTCTGTGCAACCCCATCACCGGGGCTTGCCACTG-3'
Protein context (NP_001243474.1, residues 139-159): CDGDHWGPHC[Thr149Ile]SRCQCKNGAL

ClinVar aggregate classification (germline): Uncertain significance (1 of 4 stars; one submission).

Conditions:
MEGF10-related myopathy (CMYO10A). Also called: Congenital myopathy 10A, severe variant. Identifiers: Orphanet 439212, MedGen C3280679, MONDO:0013731, OMIM 614399.

Allele frequency attached by ClinVar (database versions not stated): gnomAD 0.00001 and 0.00002; TOPMed 0.00004.
gnomAD v4.1: 23 of 1,586,562 alleles (0.0014%); highest among the groups gnomAD compares: Admixed American, 0.0034%; no homozygotes.

Submission:

Labcorp Genetics (formerly Invitae), Labcorp
Classification: Uncertain significance for MEGF10-related myopathy. Last evaluated: 2025-03-24. Review status: criteria provided, single submitter. Criteria: Invitae Variant Classification Sherloc (09022015). Collection method: clinical testing. Allele origin: germline.
Comment: This sequence change replaces threonine, which is neutral and polar, with isoleucine, which is neutral and non-polar, at codon 149 of the MEGF10 protein (p.Thr149Ile). This variant is present in population databases (rs763157072, gnomAD 0.006%). This variant has not been reported in the literature in individuals affected with MEGF10-related conditions. ClinVar contains an entry for this variant (Variation ID: 639163). Invitae Evidence Modeling of protein sequence and biophysical properties (such as structural, functional, and spatial information, amino acid conservation, physicochemical variation, residue mobility, and thermodynamic stability) indicates that this missense variant is not expected to disrupt MEGF10 protein function with a negative predictive value of 80%. In summary, the available evidence is currently insufficient to determine the role of this variant in disease. Therefore, it has been classified as a Variant of Uncertain Significance.